The following is an entry in ClinVar:

ClinVar aggregate classification (germline): Likely benign. Review status: criteria provided, multiple submitters, no conflicts (2 of 4 stars). 2 submissions from 2 submitters: Likely benign (2). Last evaluated 2026-08-03.

Conditions:
MYO5B-related disorder. Also called: MYO5B-related condition.

Allele frequency attached by ClinVar (database versions not stated): gnomAD 0.00001; TOPMed 0.00002; gnomAD exomes 0.00004; ExAC 0.00005.
gnomAD v4.1: 56 of 1,613,962 alleles (0.0035%); highest among the groups gnomAD compares: Middle Eastern, 0.12%; no homozygotes.

Submissions (2):

PreventionGenetics, part of Exact Sciences
Classification: Likely benign for MYO5B-related condition. Last evaluated: 2026-08-03. Review status: criteria provided, single submitter. Criteria: ACMG Guidelines, 2015. Collection method: clinical testing. Allele origin: germline.
Comment: This variant is classified as likely benign based on ACMG/AMP sequence variant interpretation guidelines (Richards et al. 2015 PMID: 25741868, with internal and published modifications).

Labcorp Genetics (formerly Invitae), Labcorp
Classification: Likely benign. Last evaluated: 2025-12-29. Review status: criteria provided, single submitter. Criteria: Invitae Variant Classification Sherloc (09022015). Collection method: clinical testing. Allele origin: germline.

NM_001080467.3(MYO5B):c.315C>T (p.Ile105=)

Gene: MYO5B (myosin VB; minus strand). Cytogenetic location: 18q21.1.
Variant type: single nucleotide variant.
Coding change: c.315C>T on transcript NM_001080467.3 (MANE Select); coding-DNA position 315, C replaced by T.
Protein change: p.Ile105=; no amino-acid change (isoleucine 105 retained).
Molecular consequence: synonymous variant.
Genome position (GRCh38, 1-based): chr18:50,036,990, G>A on the plus strand (C>T on the coding strand, the complement: MYO5B is on the minus strand). VCF-style: chr18-50036990-G-A. GRCh37 (hg19) VCF-style: chr18-47563360-G-A.
Other names: c.315C>T (NM_001080467.2).
Identifiers: ClinVar variation 1107081 (VCV001107081.10), dbSNP rs748097712, ClinGen allele CA8961907.